The following is an entry in ClinVar:

NM_004958.4(MTOR):c.5705del (p.Asp1902fs)

Gene: MTOR (mechanistic target of rapamycin kinase; minus strand). Cytogenetic location: 1p36.22.
Variant type: Deletion.
Coding change: c.5705del on transcript NM_004958.4 (MANE Select); coding-DNA position 5705, one base deleted (A; older notation c.5705delA).
Protein change: p.Asp1902fs; shifts the reading frame from aspartic acid 1902.
Molecular consequence: frameshift variant.
Genome position (GRCh38, 1-based): chr1:11,129,747, T deleted on the plus strand (A on the coding strand, the reverse complement: MTOR is on the minus strand). VCF-style (leftmost placement, unchanged base first): chr1-11129746-AT-A. GRCh37 (hg19) VCF-style: chr1-11189803-AT-A.
Other names: short protein forms D1902fs.
Identifiers: ClinVar variation 863741 (VCV000863741.7), dbSNP rs1643022846, ClinGen allele CA916081992.
Genomic context (GRCh38, chr1:11,129,746, plus strand): 5'-GTCTTGCCATTAACATGGCCTACCAGAGTTGCATCCTTCCCTTCTCTGATACCTGAGTGT[AT>A]CCTGGAGGTTGTTGCCTCGTGACAAGGAGATGGAACGGAAGAAGCCCTGGACGGCAGGCA-3'

ClinVar aggregate classification (germline): Uncertain significance (1 of 4 stars; one submission).

Submission:

Labcorp Genetics (formerly Invitae), Labcorp
Classification: Uncertain significance. Last evaluated: 2024-02-24. Review status: criteria provided, single submitter. Criteria: Invitae Variant Classification Sherloc (09022015). Collection method: clinical testing. Allele origin: germline.
Comment: This sequence change creates a premature translational stop signal (p.Asp1902Valfs*22) in the MTOR gene. It is expected to result in an absent or disrupted protein product. However, the current clinical and genetic evidence is not sufficient to establish whether loss-of-function variants in MTOR cause disease. This variant is not present in population databases (gnomAD no frequency). This variant has not been reported in the literature in individuals affected with MTOR-related conditions. ClinVar contains an entry for this variant (Variation ID: 863741). Algorithms developed to predict the effect of sequence changes on RNA splicing suggest that this variant may disrupt the consensus splice site. In summary, the available evidence is currently insufficient to determine the role of this variant in disease. Therefore, it has been classified as a Variant of Uncertain Significance.